The following is an entry in ClinVar:

ClinVar aggregate classification (germline): Benign/Likely benign. Review status: criteria provided, multiple submitters, no conflicts (2 of 4 stars). 4 submissions from 4 submitters: Benign (1); Likely benign (2). 1 of the submissions does not count toward it. Last evaluated 2025-02-16.

Conditions:
PDE4D-related disorder. Also called: PDE4D-related condition.

Allele frequency attached by ClinVar (database versions not stated): 1000 Genomes Project 0.00060; 1000 Genomes Project 30x 0.00078; TOPMed 0.00121; gnomAD 0.00135 and 0.00136; gnomAD exomes 0.00141.
gnomAD v4.1: 1,706 of 1,231,142 alleles (0.14%); highest among the groups gnomAD compares: Non-Finnish European, 0.15%; 1 homozygote.

Submissions (4):

Laboratory of Genetics, Children's Clinical University Hospital Latvia
Classification: Likely benign. Last evaluated: 2025-02-16. Review status: criteria provided, single submitter. Criteria: ACMG Guidelines, 2015. Collection method: clinical testing. Allele origin: germline. Affected: yes.

Blueprint Genetics
Classification: Likely benign. Last evaluated: 2024-11-26. Review status: criteria provided, single submitter. Criteria: ACMG Guidelines, 2015. Collection method: clinical testing. Allele origin: germline.

CeGaT Center for Human Genetics Tuebingen
Classification: Benign. Last evaluated: 2024-10-01. Review status: criteria provided, single submitter. Criteria: CeGaT Center For Human Genetics Tuebingen Variant Classification Criteria Version 2. Collection method: clinical testing. Allele origin: germline. Affected: yes. Observed: 3 variant alleles.
Comment: PDE4D: BS1, BS2

PreventionGenetics, part of Exact Sciences
Classification: Likely benign for PDE4D-related condition. Last evaluated: 2024-03-12. Review status: no assertion criteria provided. Collection method: clinical testing. Allele origin: germline. Not counted in ClinVar's aggregate classification.
Comment: This variant is classified as likely benign based on ACMG/AMP sequence variant interpretation guidelines (Richards et al. 2015 PMID: 25741868, with internal and published modifications).

NM_001104631.2(PDE4D):c.456-214326G>A

Gene: PDE4D (phosphodiesterase 4D; minus strand). Cytogenetic location: 5q11.2.
Variant type: single nucleotide variant.
Coding change: c.456-214326G>A on transcript NM_001104631.2 (MANE Select); 214326 bases into the intron before coding-DNA position 456, G replaced by A.
Molecular consequence: intron variant. On other transcripts: missense variant (1).
Genome position (GRCh38, 1-based): chr5:59,430,294, C>T on the plus strand (G>A on the coding strand, the complement: PDE4D is on the minus strand). VCF-style: chr5-59430294-C-T. GRCh37 (hg19) VCF-style: chr5-58726120-C-T.
Other names: c.125G>A, p.Arg42His (NM_001349242.2); c.273-214326G>A (NM_001364599.1, NM_001165899.2, NM_001364600.2); c.-239-214326G>A (NM_001349243.2); c.243-214326G>A (NM_001349241.2); c.264-214326G>A (NM_001197218.2, NM_001364602.2, NM_001364601.1); c.-495-214326G>A (NM_001364603.1); c.-240+156035G>A (NM_001364604.1); c.47+156035G>A (NM_006203.5); and 1 more; short protein forms R42H.
Identifiers: ClinVar variation 1695127 (VCV001695127.33), dbSNP rs181294274, ClinGen allele CA119220378.